The following is an entry in ClinVar:

NM_000127.3(EXT1):c.1314A>G (p.Ile438Met)

Gene: EXT1 (exostosin glycosyltransferase 1; minus strand). Cytogenetic location: 8q24.11.
Variant type: single nucleotide variant.
Coding change: c.1314A>G on transcript NM_000127.3 (MANE Select); coding-DNA position 1314, A replaced by G.
Protein change: p.Ile438Met; replaces isoleucine 438 with methionine.
Molecular consequence: missense variant.
Genome position (GRCh38, 1-based): chr8:117,822,568, T>C on the plus strand (A>G on the coding strand, the complement: EXT1 is on the minus strand). VCF-style: chr8-117822568-T-C. GRCh37 (hg19) VCF-style: chr8-118834807-T-C.
Other names: short protein forms I438M.
Identifiers: ClinVar variation 2737988 (VCV002737988.3), dbSNP rs768927725, ClinGen allele CA4854170.

ClinVar aggregate classification (germline): Uncertain significance (1 of 4 stars; one submission).

Conditions:
Multiple congenital exostosis (EXT). Also called: Hereditary multiple exostoses; Hereditary multiple exostosis; MULTIPLE CARTILAGINOUS EXOSTOSES; Multiple exostoses; Multiple osteochondromas; Hereditary multiple osteochondromas. Identifiers: Orphanet 321, MedGen C0015306, MONDO:0005508, HP:0002762.

Allele frequency attached by ClinVar (database versions not stated): gnomAD exomes below 0.00001; ExAC 0.00001.
gnomAD v4.1: 1 of 1,613,328 alleles (0.000062%); highest among the groups gnomAD compares: South Asian, 0.0011%; no homozygotes.

Submission:

Labcorp Genetics (formerly Invitae), Labcorp
Classification: Uncertain significance for Multiple congenital exostosis. Last evaluated: 2023-01-22. Review status: criteria provided, single submitter. Criteria: Invitae Variant Classification Sherloc (09022015). Collection method: clinical testing. Allele origin: germline.
Comment: This sequence change replaces isoleucine, which is neutral and non-polar, with methionine, which is neutral and non-polar, at codon 438 of the EXT1 protein (p.Ile438Met). In summary, the available evidence is currently insufficient to determine the role of this variant in disease. Therefore, it has been classified as a Variant of Uncertain Significance. Advanced modeling of protein sequence and biophysical properties (such as structural, functional, and spatial information, amino acid conservation, physicochemical variation, residue mobility, and thermodynamic stability) performed at Invitae indicates that this missense variant is not expected to disrupt EXT1 protein function. This variant has not been reported in the literature in individuals affected with EXT1-related conditions. This variant is present in population databases (rs768927725, gnomAD 0.003%).